The following is an entry in ClinVar:

NM_206933.4(USH2A):c.11440G>T (p.Gly3814Ter)

Gene: USH2A (usherin; minus strand). Cytogenetic location: 1q41.
Variant type: single nucleotide variant.
Coding change: c.11440G>T on transcript NM_206933.4 (MANE Select); coding-DNA position 11440, G replaced by T.
Protein change: p.Gly3814Ter; replaces glycine 3814 with a stop codon.
Molecular consequence: nonsense.
Genome position (GRCh38, 1-based): chr1:215,743,285, C>A on the plus strand (G>T on the coding strand, the complement: USH2A is on the minus strand). VCF-style: chr1-215743285-C-A. GRCh37 (hg19) VCF-style: chr1-215916627-C-A.
Other names: short protein forms G3814*.
Identifiers: ClinVar variation 180084 (VCV000180084.12), dbSNP rs727505337, ClinGen allele CA273676.

ClinVar aggregate classification (germline): Pathogenic. Review status: criteria provided, multiple submitters, no conflicts (2 of 4 stars). 4 submissions from 4 submitters: Pathogenic (3). 1 of the submissions does not count toward it. Last evaluated 2023-11-04.

Conditions:
Rare genetic deafness. Identifiers: Orphanet 96210, MedGen C5680250.
Retinitis pigmentosa (RP). Identifiers: Orphanet 791, MedGen C0035334, MeSH D012174, MONDO:0019200, OMIM 268000. Inheritance: Autosomal dominant, autosomal recessive and X linked inheritance.
Usher syndrome type 2A. Also called: RETINAL DISEASE IN USHER SYNDROME TYPE IIA, MODIFIER OF; USHER SYNDROME, TYPE IIA. Identifiers: Orphanet 231178, Orphanet 886, MedGen C1848634, MONDO:0010169, OMIM 276901.

Submissions (4):

Genome-Nilou Lab
Classification: Pathogenic for Usher syndrome type 2A. Last evaluated: 2023-11-04. Review status: criteria provided, single submitter. Criteria: ACMG Guidelines, 2015. Collection method: clinical testing. Allele origin: germline. Affected: no.

Labcorp Genetics (formerly Invitae), Labcorp
Classification: Pathogenic. Last evaluated: 2022-04-23. Review status: criteria provided, single submitter. Criteria: Invitae Variant Classification Sherloc (09022015). Collection method: clinical testing. Allele origin: germline.
Comment: For these reasons, this variant has been classified as Pathogenic. ClinVar contains an entry for this variant (Variation ID: 180084). This premature translational stop signal has been observed in individual(s) with retinitis pigmentosa (PMID: 30718709). This variant is not present in population databases (gnomAD no frequency). This sequence change creates a premature translational stop signal (p.Gly3814*) in the USH2A gene. It is expected to result in an absent or disrupted protein product. Loss-of-function variants in USH2A are known to be pathogenic (PMID: 10729113, 10909849, 20507924, 25649381).

Laboratory for Molecular Medicine, Mass General Brigham Personalized Medicine
Classification: Pathogenic for Rare genetic deafness. Last evaluated: 2014-11-12. Review status: criteria provided, single submitter. Criteria: LMM Criteria. Collection method: clinical testing. Allele origin: germline. Inheritance: Autosomal recessive inheritance. Observed: 2 variant alleles.
Comment: The p.Gly3814X variant in USH2A has not been previously reported in individuals with hearing loss and was absent from large population studies. This nonsense va riant leads to a premature termination codon at position 3814, which is predicte d to lead to a truncated or absent protein. In summary, this variant meets our c riteria to be classified as pathogenic for Usher syndrome in an autosomal recess ive manner.

Department of Clinical Genetics, Copenhagen University Hospital, Rigshospitalet
Classification: Likely pathogenic for Retinitis pigmentosa. Last evaluated: 2018-04-01. Review status: no assertion criteria provided. Collection method: research. Allele origin: unknown. Affected: yes. Study: VeluxRD. Not counted in ClinVar's aggregate classification.

Literature cited by the submitters: PubMed 30718709 (cited by Labcorp Genetics (formerly Invitae), Labcorp and Department of Clinical Genetics, Copenhagen University Hospital, Rigshospitalet); PubMed 10729113 (cited by Labcorp Genetics (formerly Invitae), Labcorp); PubMed 10909849 (cited by Labcorp Genetics (formerly Invitae), Labcorp); PubMed 20507924 (cited by Labcorp Genetics (formerly Invitae), Labcorp); PubMed 25649381 (cited by Labcorp Genetics (formerly Invitae), Labcorp).